The following is an entry in ClinVar:

NM_001042492.3(NF1):c.5842T>G (p.Tyr1948Asp)

Gene: NF1 (neurofibromin 1; plus strand). Cytogenetic location: 17q11.2.
Variant type: single nucleotide variant.
Coding change: c.5842T>G on transcript NM_001042492.3 (MANE Select); coding-DNA position 5842, T replaced by G.
Protein change: p.Tyr1948Asp; replaces tyrosine 1948 with aspartic acid.
Molecular consequence: missense variant.
Genome position (GRCh38, 1-based): chr17:31,334,867, T>G. VCF-style: chr17-31334867-T-G. GRCh37 (hg19) VCF-style: chr17-29661885-T-G.
Other names: c.5779T>G, p.Tyr1927Asp (NM_000267.4); short protein forms Y1927D, Y1948D.
Identifiers: ClinVar variation 379330 (VCV000379330.2), dbSNP rs1057520575, ClinGen allele CA16607562.

ClinVar aggregate classification (germline): Pathogenic (1 of 4 stars; one submission).

Submission:

GeneDx
Classification: Pathogenic. Last evaluated: 2015-04-03. Review status: criteria provided, single submitter. Criteria: GeneDx Variant Classification (06012015). Collection method: clinical testing. Allele origin: germline. Affected: yes.
Comment: The Y1927D variant in the NF1 gene has not been reported previously as a pathogenic variant nor as a benign polymorphism, to our knowledge. The Y1927D substitution was not observed in approximately 6500 individuals of European and African American ancestry in the NHLBI Exome Sequencing Project. The Y1927D variant is a non-conservative amino acid substitution, which is likely to impact secondary protein structure as these residues differ in polarity, charge, size and/or other properties. This substitution occurs at a position that is conserved across species. In silico analysis predicts this variant is probably damaging to the protein structure/function. Missense variants in nearby residues (I1918T, W1931R,W1931C, L1932P) have been reported in the Human Gene Mutation Database in association with neurofibromatosis type 1 (Stenson et al., 2014), supporting the functional importance of this region of the protein. We interpret Y1927D as a pathogenic variant.